The following is an entry in ClinVar:

ClinVar aggregate classification (germline): Uncertain significance (1 of 4 stars; one submission).

Conditions:
Neurodevelopmental disorder with microcephaly, impaired language, epilepsy, and gait abnormalities. Identifiers: MedGen C5436788, MONDO:0030837, OMIM 619092.

gnomAD v4.1: 6 of 1,611,756 alleles (0.00037%); highest among the groups gnomAD compares: Non-Finnish European, 0.00051%; no homozygotes.

Submission:

Victorian Clinical Genetics Services, Murdoch Childrens Research Institute
Classification: Uncertain significance for Neurodevelopmental disorder with microcephaly, impaired language, epilepsy, and gait abnormalities. Last evaluated: 2023-07-17. Review status: criteria provided, single submitter. Criteria: ACMG Guidelines, 2015. Collection method: clinical testing. Allele origin: germline. Inheritance: Autosomal dominant inheritance. Affected: yes.
Comment: Based on the classification scheme VCGS_Germline_v1.3.4, this variant is classified as VUS-3A. Following criteria are met: 0102 - Loss of function is a known mechanism of disease in this gene and is associated with recessive neurodevelopmental disorder with microcephaly, impaired language, and gait abnormalities (NEDMILG; MIM#619091). While the mechanism of dominant neurodevelopmental disorder with microcephaly, impaired language, epilepsy, and gait abnormalities (NEDMILEG; MIM#619092) is uncertain, toxic gain of function or dominant negative is suggested (PMID: 32738225). (I) 0108 - This gene is associated with both recessive and dominant disease (OMIM, PMID: 32738225). (I) 0211 - Canonical splice site variant without proven consequence on splicing (no functional evidence available). (SP) 0251 - This variant is heterozygous. (I) 0304 - Variant is present in gnomAD (v2, v3) <0.01 (1 heterozygote, 0 homozygotes). (SP) 0505 - Abnormal splicing is predicted by in silico tools and affected nucleotide is highly conserved. (SP) 0705 - No comparable splice variants have previous evidence for pathogenicity. (I) 0807 - This variant has no previous evidence of pathogenicity. (I) 0905 - No published segregation evidence has been identified for this variant. (I) 1007 - No published functional evidence has been identified for this variant. (I) 1208 - Inheritance information for this variant is not currently available in this individual. (I) Legend: (SP) - Supporting pathogenic, (I) - Information, (SB) - Supporting benign

Literature cited by the submitters: PubMed 32738225.

NM_004539.4(NARS1):c.493-1G>T

Gene: NARS1 (asparaginyl-tRNA synthetase 1; minus strand). Cytogenetic location: 18q21.31.
Variant type: single nucleotide variant.
Coding change: c.493-1G>T on transcript NM_004539.4 (MANE Select); the canonical splice acceptor site of the intron before coding-DNA position 493, G replaced by T.
Molecular consequence: splice acceptor variant.
Genome position (GRCh38, 1-based): chr18:57,609,444, C>A on the plus strand (G>T on the coding strand, the complement: NARS1 is on the minus strand). VCF-style: chr18-57609444-C-A. GRCh37 (hg19) VCF-style: chr18-55276676-C-A.
Identifiers: ClinVar variation 3376765 (VCV003376765.1).